The following is an entry in ClinVar:

ClinVar aggregate classification (germline): Likely benign (1 of 4 stars; one submission).

Conditions:
P3H2-related disorder. Also called: P3H2-related condition.

gnomAD v4.1: 2 of 1,614,018 alleles (0.00012%); highest among the groups gnomAD compares: Admixed American, 0.0033%; no homozygotes.

Submission:

PreventionGenetics, part of Exact Sciences
Classification: Likely benign for P3H2-related condition. Last evaluated: 2025-07-31. Review status: criteria provided, single submitter. Criteria: ACMG Guidelines, 2015. Collection method: clinical testing. Allele origin: germline.
Comment: This variant is classified as likely benign based on ACMG/AMP sequence variant interpretation guidelines (Richards et al. 2015 PMID: 25741868, with internal and published modifications).

NM_018192.4(P3H2):c.955+6G>C

Gene: P3H2 (prolyl 3-hydroxylase 2; minus strand). Cytogenetic location: 3q28.
Variant type: single nucleotide variant.
Coding change: c.955+6G>C on transcript NM_018192.4 (MANE Select); 6 bases into the intron after coding-DNA position 955, G replaced by C.
Molecular consequence: intron variant.
Genome position (GRCh38, 1-based): chr3:189,988,901, C>G on the plus strand (G>C on the coding strand, the complement: P3H2 is on the minus strand). VCF-style: chr3-189988901-C-G. GRCh37 (hg19) VCF-style: chr3-189706690-C-G.
Other names: c.412+6G>C (NM_001134418.2).
Identifiers: ClinVar variation 4983654 (VCV004983654.1).
Genomic context (GRCh38, chr3:189,988,901, plus strand): 5'-AATGTGATGTCTGTAATGATGAACCACAACCCCCCAAGAAGTCTTCACGGATGATCCACG[C>G]TTTACCTCGATAGTAGGCAAACTGTAGGTAATCATAGTGCAGAGGAAGAAAATTCTCGAT-3'